The following is an entry in ClinVar:

ClinVar aggregate classification (germline): Pathogenic (1 of 4 stars; one submission).

Conditions:
Marfan syndrome (MFS). Also called: MARFAN SYNDROME, TYPE I; Marfan syndrome type 1; Marfan's syndrome; Marfan syndrome, classic; FBN1-Related Marfan Syndrome. Identifiers: Orphanet 284963, Orphanet 558, MedGen C0024796, MONDO:0007947, OMIM 154700.
Familial thoracic aortic aneurysm and aortic dissection (TAAD). Also called: Thoracic aortic aneurysms and dissections. Identifiers: Orphanet 91387, MedGen C4707243, MONDO:0019625.

Submission:

Labcorp Genetics (formerly Invitae), Labcorp
Classification: Pathogenic for Marfan syndrome; Familial thoracic aortic aneurysm and aortic dissection. Last evaluated: 2022-03-12. Review status: criteria provided, single submitter. Criteria: Invitae Variant Classification Sherloc (09022015). Collection method: clinical testing. Allele origin: germline.
Comment: For these reasons, this variant has been classified as Pathogenic. This premature translational stop signal has been observed in individual(s) with Marfan syndrome (PMID: 19863550). This variant is not present in population databases (gnomAD no frequency). This sequence change creates a premature translational stop signal (p.Pro317Leufs*13) in the FBN1 gene. It is expected to result in an absent or disrupted protein product. Loss-of-function variants in FBN1 are known to be pathogenic (PMID: 17657824, 19293843).

Literature cited by the submitters: PubMed 19863550; PubMed 17657824; PubMed 19293843.

NM_000138.5(FBN1):c.945del (p.Pro317fs)

Gene: FBN1 (fibrillin 1; minus strand). Cytogenetic location: 15q21.1.
Variant type: Deletion.
Coding change: c.945del on transcript NM_000138.5 (MANE Select); coding-DNA position 945, one base deleted (T; older notation c.945delT).
Protein change: p.Pro317fs; shifts the reading frame from proline 317.
Molecular consequence: frameshift variant.
Genome position (GRCh38, 1-based): chr15:48,526,173, A deleted on the plus strand (T on the coding strand, the reverse complement: FBN1 is on the minus strand). VCF-style (leftmost placement, unchanged base first): chr15-48526172-GA-G. GRCh37 (hg19) VCF-style: chr15-48818369-GA-G.
Other names: short protein forms P317fs.
Identifiers: ClinVar variation 1458838 (VCV001458838.6), dbSNP rs2141343351, ClinGen allele CA2573150795.